The following is an entry in ClinVar:

NM_000587.4(C7):c.183G>A (p.Gln61=)

Gene: C7 (complement C7; plus strand). Cytogenetic location: 5p13.1.
Variant type: single nucleotide variant.
Coding change: c.183G>A on transcript NM_000587.4 (MANE Select); coding-DNA position 183, G replaced by A.
Protein change: p.Gln61=; no amino-acid change (glutamine 61 retained).
Molecular consequence: synonymous variant.
Genome position (GRCh38, 1-based): chr5:40,934,369, G>A. VCF-style: chr5-40934369-G-A. GRCh37 (hg19) VCF-style: chr5-40934471-G-A.
Other names: c.183G>A (NM_000587.3).
Identifiers: ClinVar variation 1169027 (VCV001169027.13), dbSNP rs34196526, ClinGen allele CA3249556.
Genomic context (GRCh38, chr5:40,934,369, plus strand): 5'-CCTGCTTTGTGTTTAGACTCGCAGGCGGTCAGTTGCTGTGTATGGGCAGTATGGAGGCCA[G>A]CCTTGTGTTGGAAATGCTTTTGAAACACAGTCCTGTGAACCTACAAGAGGATGTCCAACA-3'
Protein context (NP_000578.2, residues 51-71): SVAVYGQYGG[Gln61=]PCVGNAFETQ

ClinVar aggregate classification (germline): Benign. Review status: criteria provided, multiple submitters, no conflicts (2 of 4 stars). 4 submissions from 4 submitters: Benign (3). 1 of the submissions does not count toward it. Last evaluated 2026-02-02.

Conditions:
C7-related disorder. Also called: C7-related condition.

Allele frequency attached by ClinVar (database versions not stated): gnomAD 0.01381 and 0.01351; 1000 Genomes Project 0.00699; TOPMed 0.01286; ExAC 0.01598; ESP Exome Variant Server 0.01688; 1000 Genomes Project 30x 0.00812; gnomAD exomes 0.01536 and 0.01992.
gnomAD v4.1: 31,088 of 1,613,608 alleles (1.9%); highest among the groups gnomAD compares: South Asian, 2.3%; 379 homozygotes.

Submissions (4):

Labcorp Genetics (formerly Invitae), Labcorp
Classification: Benign. Last evaluated: 2026-02-02. Review status: criteria provided, single submitter. Criteria: Invitae Variant Classification Sherloc (09022015). Collection method: clinical testing. Allele origin: germline.

Women's Health and Genetics/Laboratory Corporation of America, LabCorp
Classification: Benign. Last evaluated: 2026-01-22. Review status: criteria provided, single submitter. Criteria: LabCorp Variant Classification Summary - May 2015. Collection method: clinical testing. Allele origin: germline.

Breakthrough Genomics
Classification: Benign. Review status: criteria provided, single submitter. Criteria: ACMG Guidelines, 2015. Collection method: not provided. Allele origin: germline. Inheritance: Unknown mechanism. Affected: yes.

PreventionGenetics, part of Exact Sciences
Classification: Benign for C7-related condition. Last evaluated: 2019-07-02. Review status: no assertion criteria provided. Collection method: clinical testing. Allele origin: germline. Not counted in ClinVar's aggregate classification.
Comment: This variant is classified as benign based on ACMG/AMP sequence variant interpretation guidelines (Richards et al. 2015 PMID: 25741868, with internal and published modifications).